The following is an entry in ClinVar:

ClinVar aggregate classification (germline): Uncertain significance (1 of 4 stars; one submission).

Conditions:
Congenital adrenal hypoplasia, X-linked (AHC). Also called: Isolated X-Linked Adrenal Hypoplasia Congenita; X-linked AHC; X-Linked Adrenal Hypoplasia Congenita; ADRENAL HYPOPLASIA, CONGENITAL, WITH HYPOGONADOTROPIC HYPOGONADISM. Identifiers: Orphanet 95702, MedGen C0342482, MONDO:0010264, OMIM 300200. Disease mechanism: loss of function.
46,XY sex reversal 2. Also called: 46,XY SEX REVERSAL, DAX1-RELATED; 46XY sex reversal 2, dosage-sensitive; NR0B1-Related 46,XY CGD; NR0B1-related 46,XY complete gonadal dysgenesis; Dosage-sensitive sex reversal. Identifiers: MedGen C1848296, MONDO:0010226, OMIM 300018.

Submission:

Labcorp Genetics (formerly Invitae), Labcorp
Classification: Uncertain significance for Congenital adrenal hypoplasia, X-linked; 46,XY sex reversal 2. Last evaluated: 2023-07-07. Review status: criteria provided, single submitter. Criteria: Invitae Variant Classification Sherloc (09022015). Collection method: clinical testing. Allele origin: germline.
Comment: In summary, the available evidence is currently insufficient to determine the role of this variant in disease. Therefore, it has been classified as a Variant of Uncertain Significance. Advanced modeling of protein sequence and biophysical properties (such as structural, functional, and spatial information, amino acid conservation, physicochemical variation, residue mobility, and thermodynamic stability) performed at Invitae indicates that this missense variant is expected to disrupt NR0B1 protein function. This variant has not been reported in the literature in individuals affected with NR0B1-related conditions. This variant is not present in population databases (gnomAD no frequency). This sequence change replaces glycine, which is neutral and non-polar, with arginine, which is basic and polar, at codon 77 of the NR0B1 protein (p.Gly77Arg).

NM_000475.5(NR0B1):c.229G>C (p.Gly77Arg)

Gene: NR0B1 (nuclear receptor subfamily 0 group B member 1; minus strand). Cytogenetic location: Xp21.2.
Variant type: single nucleotide variant.
Coding change: c.229G>C on transcript NM_000475.5 (MANE Select); coding-DNA position 229, G replaced by C.
Protein change: p.Gly77Arg; replaces glycine 77 with arginine.
Molecular consequence: missense variant.
Genome position (GRCh38, 1-based): chrX:30,309,135, C>G on the plus strand (G>C on the coding strand, the complement: NR0B1 is on the minus strand). VCF-style: chrX-30309135-C-G. GRCh37 (hg19) VCF-style: chrX-30327252-C-G.
Other names: short protein forms G77R.
Identifiers: ClinVar variation 2954415 (VCV002954415.3), dbSNP rs374378686, ClinGen allele CA412549198.
Genomic context (GRCh38, chrX:30,309,135, plus strand): 5'-GCGCCTTCGGTGCCGCGTACGTTTGCTTTGCGCTCGTCAGCATGCTGTAGAGGATGCTGC[C>G]CTGCCGTGGGTGGTCTTTACCGCAAAAGCAGCAGCGGTACAGGAGCGCCACGTTCCGCCC-3'
Protein context (NP_000466.2, residues 67-87): CFCGKDHPRQ[Gly77Arg]SILYSMLTSA